The following is an entry in ClinVar:

NM_002444.3(MSN):c.704C>G (p.Thr235Ser)

Gene: MSN (moesin; plus strand). Cytogenetic location: Xq12.
Variant type: single nucleotide variant.
Coding change: c.704C>G on transcript NM_002444.3 (MANE Select); coding-DNA position 704, C replaced by G.
Protein change: p.Thr235Ser; replaces threonine 235 with serine.
Molecular consequence: missense variant.
Genome position (GRCh38, 1-based): chrX:65,733,189, C>G. VCF-style: chrX-65733189-C-G. GRCh37 (hg19) VCF-style: chrX-64953051-C-G.
Other names: short protein forms T235S.
Identifiers: ClinVar variation 2063981 (VCV002063981.4), dbSNP rs2523008611, ClinGen allele CA413416439.

ClinVar aggregate classification (germline): Uncertain significance (1 of 4 stars; one submission).

Allele frequency attached by ClinVar (database versions not stated): gnomAD exomes below 0.00001.
gnomAD v4.1: 1 of 1,207,544 alleles (0.000083%); highest among the groups gnomAD compares: Middle Eastern, 0.023%; no homozygotes.

Submission:

Labcorp Genetics (formerly Invitae), Labcorp
Classification: Uncertain significance. Last evaluated: 2022-09-09. Review status: criteria provided, single submitter. Criteria: Invitae Variant Classification Sherloc (09022015). Collection method: clinical testing. Allele origin: germline.
Comment: In summary, the available evidence is currently insufficient to determine the role of this variant in disease. Therefore, it has been classified as a Variant of Uncertain Significance. Algorithms developed to predict the effect of missense changes on protein structure and function (SIFT, PolyPhen-2, Align-GVGD) all suggest that this variant is likely to be tolerated. This variant has not been reported in the literature in individuals affected with MSN-related conditions. This variant is not present in population databases (gnomAD no frequency). This sequence change replaces threonine, which is neutral and polar, with serine, which is neutral and polar, at codon 235 of the MSN protein (p.Thr235Ser).